The following is an entry in ClinVar:

ClinVar aggregate classification (germline): Conflicting classifications of pathogenicity. Review status: criteria provided, conflicting classifications (1 of 4 stars). 2 submissions from 2 submitters: Uncertain significance (1); Benign (1). Last evaluated 2025-05-23.

Conditions:
Ehlers-Danlos syndrome, classic type, 1 (EDSCL1). Also called: EHLERS-DANLOS SYNDROME, GRAVIS TYPE; EHLERS-DANLOS SYNDROME, SEVERE CLASSIC TYPE; Ehlers-Danlos syndrome, type 1; Ehlers-Danlos Syndrome, Classic Type, COL5A1-Related; EDS I. Identifiers: MedGen C0268335, MONDO:0019567, OMIM 130000.

gnomAD v4.1: 9 of 1,614,086 alleles (0.00056%); highest among the groups gnomAD compares: Non-Finnish European, 0.00017%; no homozygotes.

Submissions (2):

Labcorp Genetics (formerly Invitae), Labcorp
Classification: Benign for Ehlers-Danlos syndrome, classic type, 1. Last evaluated: 2025-05-23. Review status: criteria provided, single submitter. Criteria: Invitae Variant Classification Sherloc (09022015). Collection method: clinical testing. Allele origin: germline.

GeneDx
Classification: Uncertain significance. Last evaluated: 2024-06-10. Review status: criteria provided, single submitter. Criteria: GeneDx Variant Classification Process June 2021. Collection method: clinical testing. Allele origin: germline. Affected: yes.
Comment: Has not been previously published as pathogenic or benign to our knowledge; Not observed at significant frequency in large population cohorts (gnomAD); Not located in the triple helical region, where the majority of pathogenic missense variants occur (PMID: 22696272; HGMD); In silico analysis supports that this missense variant has a deleterious effect on protein structure/function; This variant is associated with the following publications: (PMID: 22696272)

NM_000093.5(COL5A1):c.5414C>G (p.Pro1805Arg)

Genes: COL5A1 (collagen type V alpha 1 chain; plus strand), LOC101448202 (uncharacterized LOC101448202; minus strand). Cytogenetic location: 9q34.3.
Variant type: single nucleotide variant.
Coding change: c.5414C>G on transcript NM_000093.5 (MANE Select); coding-DNA position 5414, C replaced by G.
Protein change: p.Pro1805Arg; replaces proline 1805 with arginine.
Molecular consequence: missense variant.
Genome position (GRCh38, 1-based): chr9:134,842,200, C>G. VCF-style: chr9-134842200-C-G. GRCh37 (hg19) VCF-style: chr9-137734046-C-G.
Other names: c.5414C>G, p.Pro1805Arg (NM_001278074.1); short protein forms P1805R.
Identifiers: ClinVar variation 1187114 (VCV001187114.9), dbSNP rs377563294, ClinGen allele CA5320744.